The following is an entry in ClinVar:

ClinVar aggregate classification (germline): Likely pathogenic (1 of 4 stars; one submission).

Conditions:
Dyskeratosis congenita. Identifiers: Orphanet 1775, MedGen C0265965, MONDO:0015780.

Submission:

Ambry Genetics
Classification: Likely pathogenic for Dyskeratosis congenita. Last evaluated: 2025-04-23. Review status: criteria provided, single submitter. Criteria: Ambry Variant Classification Scheme 2023. Collection method: clinical testing. Allele origin: germline.
Comment: The c.2263_2286+26del50insATC variant results from a deletion of 50 nucleotides and insertion of 3 nucleotides at positions c.2263 to c.2286+26 and involves the canonical splice donor site after coding exon 6 of the TERT gene. The canonical splice donor site is highly conserved in available vertebrate species. In silico splice site analysis predicts that this alteration will weaken the native splice donor site. This variant is considered to be rare based on population cohorts in the Genome Aggregation Database (gnomAD). Alterations that disrupt the canonical splice site are expected to cause aberrant splicing, resulting in an abnormal protein or a transcript that is subject to nonsense-mediated mRNA decay. As such, this alteration is classified as likely pathogenic.

NM_198253.3(TERT):c.2263_2286+26delinsATC

Gene: TERT (telomerase reverse transcriptase; minus strand). Cytogenetic location: 5p15.33.
Variant type: Indel.
Coding change: c.2263_2286+26delinsATC on transcript NM_198253.3 (MANE Select); coding-DNA position 2263 through 26 bases into the intron after coding-DNA position 2286, the reference bases replaced by ATC.
Molecular consequence: splice donor variant.
Genome position (GRCh38, 1-based): chr5:1,278,615-1,278,664, 50 bases replaced. GRCh37 (hg19): chr5:1,278,730-1,278,779.
Other names: c.2263_2286+26delinsATC (NM_001193376.3).
Identifiers: ClinVar variation 3967346 (VCV003967346.1).